The following is an entry in ClinVar:

NM_004946.3(DOCK2):c.2578G>A (p.Val860Ile)

Gene: DOCK2 (dedicator of cytokinesis 2; plus strand). Cytogenetic location: 5q35.1.
Variant type: single nucleotide variant.
Coding change: c.2578G>A on transcript NM_004946.3 (MANE Select); coding-DNA position 2578, G replaced by A.
Protein change: p.Val860Ile; replaces valine 860 with isoleucine.
Molecular consequence: missense variant. On other transcripts: non-coding transcript variant (1).
Genome position (GRCh38, 1-based): chr5:169,803,081, G>A. VCF-style: chr5-169803081-G-A. GRCh37 (hg19) VCF-style: chr5-169230085-G-A.
Other names: short protein forms V860I.
Identifiers: ClinVar variation 1060423 (VCV001060423.6), dbSNP rs201511979, ClinGen allele CA3553799.

ClinVar aggregate classification (germline): Uncertain significance (1 of 4 stars; one submission).

Conditions:
DOCK2 deficiency. Also called: Immunodeficiency 40. Identifiers: Orphanet 447737, MedGen C4225328, MONDO:0014637, OMIM 616433.

Allele frequency attached by ClinVar (database versions not stated): gnomAD exomes 0.00002 and 0.00008; gnomAD 0.00004 and 0.00005; ExAC 0.00006; TOPMed 0.00007; 1000 Genomes Project 30x 0.00031; 1000 Genomes Project 0.00040.
gnomAD v4.1: 38 of 1,614,158 alleles (0.0024%); highest among the groups gnomAD compares: East Asian, 0.058%; no homozygotes.

Submission:

Labcorp Genetics (formerly Invitae), Labcorp
Classification: Uncertain significance for DOCK2 deficiency. Last evaluated: 2021-08-27. Review status: criteria provided, single submitter. Criteria: Invitae Variant Classification Sherloc (09022015). Collection method: clinical testing. Allele origin: germline.
Comment: This sequence change replaces valine with isoleucine at codon 860 of the DOCK2 protein (p.Val860Ile). The valine residue is moderately conserved and there is a small physicochemical difference between valine and isoleucine. This variant is present in population databases (rs201511979, ExAC 0.07%). This variant has not been reported in the literature in individuals affected with DOCK2-related conditions. Algorithms developed to predict the effect of missense changes on protein structure and function (SIFT, PolyPhen-2, Align-GVGD) all suggest that this variant is likely to be tolerated. In summary, the available evidence is currently insufficient to determine the role of this variant in disease. Therefore, it has been classified as a Variant of Uncertain Significance.